The following is an entry in ClinVar:

NM_000018.4(ACADVL):c.901_902del (p.Gly301fs)

Gene: ACADVL (acyl-CoA dehydrogenase very long chain; plus strand). Cytogenetic location: 17p13.1.
Variant type: Deletion.
Coding change: c.901_902del on transcript NM_000018.4 (MANE Select); coding-DNA positions 901 to 902, 2 bases deleted (GG; older notation c.901_902delGG).
Protein change: p.Gly301fs; shifts the reading frame from glycine 301.
Molecular consequence: frameshift variant.
Genome position (GRCh38, 1-based): chr17:7,222,689-7,222,690, GG deleted; deleting any 2 consecutive bases within chr17:7,222,688-7,222,690 gives the same sequence; the c. name uses the placement nearest the transcript's 3' end. VCF-style (leftmost placement, unchanged base first): chr17-7222687-TGG-T. GRCh37 (hg19) VCF-style: chr17-7126006-TGG-T.
Other names: c.835_836del, p.Gly279fs (NM_001033859.3); c.970_971del, p.Gly324fs (NM_001270447.2); c.673_674del, p.Gly225fs (NM_001270448.2); short protein forms G225fs, G301fs, G279fs, G324fs.
Identifiers: ClinVar variation 3654465 (VCV003654465.2).

ClinVar aggregate classification (germline): Pathogenic (1 of 4 stars; one submission).

Conditions:
Very long chain acyl-CoA dehydrogenase deficiency (ACADVLD). Also called: Very Long-Chain Acyl-Coenzyme A Dehydrogenase Deficiency; VLCAD Deficiency. Identifiers: Orphanet 26793, MedGen C3887523, MONDO:0008723, OMIM 201475.

Submission:

Labcorp Genetics (formerly Invitae), Labcorp
Classification: Pathogenic for Very long chain acyl-CoA dehydrogenase deficiency. Last evaluated: 2024-05-23. Review status: criteria provided, single submitter. Criteria: Invitae Variant Classification Sherloc (09022015). Collection method: clinical testing. Allele origin: germline.
Comment: This sequence change creates a premature translational stop signal (p.Gly301Hisfs*12) in the ACADVL gene. It is expected to result in an absent or disrupted protein product. Loss-of-function variants in ACADVL are known to be pathogenic (PMID: 9973285, 11590124). This variant is not present in population databases (gnomAD no frequency). This variant has not been reported in the literature in individuals affected with ACADVL-related conditions. For these reasons, this variant has been classified as Pathogenic.

Literature cited by the submitters: PubMed 9973285; PubMed 11590124.